The following is an entry in ClinVar:

NM_052813.5(CARD9):c.*292T>C

Genes: CARD9 (caspase recruitment domain family member 9; minus strand), LOC130003002 (ATAC-STARR-seq lymphoblastoid silent region 20510; plus strand). Cytogenetic location: 9q34.3.
Variant type: single nucleotide variant.
Coding change: c.*292T>C on transcript NM_052813.5 (MANE Select); 292 bases downstream of the stop codon, T replaced by C.
Molecular consequence: 3 prime UTR variant.
Genome position (GRCh38, 1-based): chr9:136,364,010, A>G on the plus strand (T>C on the coding strand, the complement: CARD9 is on the minus strand). VCF-style: chr9-136364010-A-G. GRCh37 (hg19) VCF-style: chr9-139258462-A-G.
Other names: c.*115T>C (NM_052814.4).
Identifiers: ClinVar variation 365828 (VCV000365828.8), dbSNP rs1135314, ClinGen allele CA5332533.

ClinVar aggregate classification (germline): Benign. Review status: criteria provided, multiple submitters, no conflicts (2 of 4 stars). 3 submissions from 3 submitters: Benign (3). Last evaluated 2024-01-24.

Conditions:
Predisposition to invasive fungal disease due to CARD9 deficiency (IMD103). Also called: CARD9 IMMUNODEFICIENCY; Candidiasis, familial, 2, autosomal recessive; IMMUNODEFICIENCY 103, SUSCEPTIBILITY TO FUNGAL INFECTIONS. Identifiers: Orphanet 457088, MedGen C1859353, MONDO:0008905, OMIM 212050.

Allele frequency attached by ClinVar (database versions not stated): 1000 Genomes Project 0.25419; 1000 Genomes Project 30x 0.26265; gnomAD 0.30733 and 0.31288; TOPMed 0.31320; gnomAD exomes 0.31901; ExAC 0.32040.
gnomAD v4.1: 414,878 of 1,296,282 alleles (32%); highest among the groups gnomAD compares: Admixed American, 45%; 69,305 homozygotes.

Submissions (3):

Unidad de Genómica Garrahan, Hospital de Pediatría Garrahan
Classification: Benign. Last evaluated: 2024-01-24. Review status: criteria provided, single submitter. Criteria: ACMG Guidelines, 2015. Collection method: clinical testing. Allele origin: germline. Affected: no. Observed: 66 variant alleles.
Comment: This variant is classified as Benign based on local population frequency. This variant was detected in 75% of patients studied by a panel of primary immunodeficiencies. Number of patients: 66. Only high quality variants are reported.

Illumina Laboratory Services, Illumina
Classification: Benign for Predisposition to invasive fungal disease due to CARD9 deficiency. Last evaluated: 2017-04-27. Review status: criteria provided, single submitter. Criteria: ICSL Variant Classification Criteria 13 December 2019. Collection method: clinical testing. Allele origin: germline.
Comment: This variant was observed as part of a predisposition screen in an ostensibly healthy population. A literature search was performed for the gene, cDNA change, and amino acid change (where applicable). No publications were found based on this search. Allele frequency data from public databases was too high to be consistent with this variant causing disease. Therefore, this variant is classified as benign.

Breakthrough Genomics
Classification: Benign. Review status: criteria provided, single submitter. Criteria: ACMG Guidelines, 2015. Collection method: not provided. Allele origin: germline. Inheritance: Autosomal recessive inheritance. Affected: yes.